The following is an entry in ClinVar:

ClinVar aggregate classification (germline): Conflicting classifications of pathogenicity. Review status: criteria provided, conflicting classifications (1 of 4 stars). 7 submissions from 6 submitters: Uncertain significance (1); Benign (3); Likely benign (3). Last evaluated 2025-08-10.

Conditions:
Maturity-onset diabetes of the young (MODY). Also called: Maturity onset diabetes mellitus in young. Identifiers: Orphanet 552, MedGen C0342276, MONDO:0018911, HP:0004904.
Familial hyperinsulinism. Also called: Congenital hyperinsulinism. Identifiers: Orphanet 276525, MedGen C3888018, MONDO:0017182. Disease mechanism: loss of function.
Maturity-onset diabetes of the young type 1. Also called: HNF4A-Related Maturity-Onset Diabetes of the Young Type 1; MODY type 1; Diabetes mellitus MODY type 1; MODY HNF4A related; MODY, type I; MILD JUVENILE DIABETES MELLITUS. Identifiers: Orphanet 552, MedGen C1852093, MONDO:0007452, OMIM 125850. Disease mechanism: loss of function.

Allele frequency attached by ClinVar (database versions not stated): gnomAD 0.00001 and 0.00017; TOPMed 0.00005; ESP Exome Variant Server 0.00008; gnomAD exomes 0.00039 and 0.00073; ExAC 0.00083; 1000 Genomes Project 0.00100; 1000 Genomes Project 30x 0.00109.
gnomAD v4.1: 588 of 1,614,132 alleles (0.036%); highest among the groups gnomAD compares: South Asian, 0.62%; 4 homozygotes.

Submissions (7):

Labcorp Genetics (formerly Invitae), Labcorp
Classification: Benign. Last evaluated: 2025-08-10. Review status: criteria provided, single submitter. Criteria: Invitae Variant Classification Sherloc (09022015). Collection method: clinical testing. Allele origin: germline.

Blueprint Genetics
Classification: Likely benign. Last evaluated: 2024-11-13. Review status: criteria provided, single submitter. Criteria: ACMG Guidelines, 2015. Collection method: clinical testing. Allele origin: germline.

Ambry Genetics
Classification: Benign for Maturity-onset diabetes of the young. Last evaluated: 2024-10-29. Review status: criteria provided, single submitter. Criteria: Ambry Variant Classification Scheme 2023. Collection method: clinical testing. Allele origin: germline.

Illumina Laboratory Services, Illumina
Classification: Likely benign for Familial hyperinsulinism. Last evaluated: 2018-01-13. Review status: criteria provided, single submitter. Criteria: ICSL Variant Classification Criteria 13 December 2019. Collection method: clinical testing. Allele origin: germline.
Comment: This variant was observed in the ICSL laboratory as part of a predisposition screen in an ostensibly healthy population. It had not been previously curated by ICSL or reported in the Human Gene Mutation Database (HGMD: prior to June 1st, 2018), and was therefore a candidate for classification through an automated scoring system. Utilizing variant allele frequency, disease prevalence and penetrance estimates, and inheritance mode, an automated score was calculated to assess if this variant is too frequent to cause the disease. Based on the score and internal cut-off values, a variant classified as likely benign is not then subjected to further curation. The score for this variant resulted in a classification of likely benign for this disease.

Illumina Laboratory Services, Illumina
Classification: Benign for Maturity-onset diabetes of the young type 1. Last evaluated: 2018-01-13. Review status: criteria provided, single submitter. Criteria: ICSL Variant Classification Criteria 13 December 2019. Collection method: clinical testing. Allele origin: germline.
Comment: This variant was observed in the ICSL laboratory as part of a predisposition screen in an ostensibly healthy population. It had not been previously curated by ICSL or reported in the Human Gene Mutation Database (HGMD: prior to June 1st, 2018), and was therefore a candidate for classification through an automated scoring system. Utilizing variant allele frequency, disease prevalence and penetrance estimates, and inheritance mode, an automated score was calculated to assess if this variant is too frequent to cause the disease. Based on the score and internal cut-off values, a variant classified as benign is not then subjected to further curation. The score for this variant resulted in a classification of benign for this disease.

Genetic Services Laboratory, University of Chicago
Classification: Likely benign. Last evaluated: 2015-06-10. Review status: criteria provided, single submitter. Criteria: ACMG Guidelines, 2015. Collection method: clinical testing. Allele origin: germline.

Clinical Genomics, Uppaluri K&H Personalized Medicine Clinic
Classification: Uncertain significance for Maturity-onset diabetes of the young. Review status: criteria provided, single submitter. Criteria: K & H Uppaluri Personalized Medicine Clinic Variant Classification & Assertion Criteria_Updated V.1. Collection method: research. Allele origin: somatic. Inheritance: Autosomal dominant inheritance.
Comment: Mutations in HNF4A are associated with poor insulin secretion in response to hyperglycemia and lead to MODY1. Patients initially respond well to sulfonylureas but eventually become insulin dependent. However, no sufficient evidence found for role of this particular variant rs150776703 in DM and MODY yet.

Literature cited by the submitters: PubMed 38375489 (cited by Ambry Genetics); DOI 10.1159/000334532 (cited by Clinical Genomics, Uppaluri K&H Personalized Medicine Clinic); PubMed 17563455 (cited by Clinical Genomics, Uppaluri K&H Personalized Medicine Clinic); PubMed 18268044 (cited by Clinical Genomics, Uppaluri K&H Personalized Medicine Clinic).

NM_175914.5(HNF4A):c.1243C>T (p.Pro415Ser)

Gene: HNF4A (hepatocyte nuclear factor 4 alpha; plus strand). Cytogenetic location: 20q13.12.
Variant type: single nucleotide variant.
Coding change: c.1243C>T on transcript NM_175914.5 (MANE Select); coding-DNA position 1243, C replaced by T.
Protein change: p.Pro415Ser; replaces proline 415 with serine.
Molecular consequence: missense variant.
Genome position (GRCh38, 1-based): chr20:44,429,549, C>T. VCF-style: chr20-44429549-C-T. GRCh37 (hg19) VCF-style: chr20-43058189-C-T.
Other names: c.1243C>T (NM_175914.3); c.1309C>T, p.Pro437Ser (NM_000457.6); c.1213C>T, p.Pro405Ser (NM_001030003.3); c.1288C>T, p.Pro430Ser (NM_001258355.2); c.1204C>T, p.Pro402Ser (NM_001287182.2); c.1234C>T, p.Pro412Ser (NM_001287183.2); c.1279C>T, p.Pro427Ser (NM_178849.3); short protein forms P412S, P415S, P437S, P402S, P405S, P430S, P427S.
Identifiers: ClinVar variation 211145 (VCV000211145.20), dbSNP rs150776703, ClinGen allele CA205836.